The following is an entry in ClinVar:

ClinVar aggregate classification (germline): Uncertain significance. Review status: criteria provided, multiple submitters, no conflicts (2 of 4 stars). 2 submissions from 2 submitters: Uncertain significance (2). Last evaluated 2021-06-17.

Conditions:
Intellectual developmental disorder, autosomal dominant 29. Also called: SETBP1 Haploinsufficiency Disorder; Intellectual disability, autosomal dominant 29. Identifiers: Orphanet 436151, MedGen C4015141, MONDO:0014482, OMIM 616078.

Submissions (2):

Labcorp Genetics (formerly Invitae), Labcorp
Classification: Uncertain significance. Last evaluated: 2021-06-17. Review status: criteria provided, single submitter. Criteria: Invitae Variant Classification Sherloc (09022015). Collection method: clinical testing. Allele origin: germline.
Comment: Algorithms developed to predict the effect of missense changes on protein structure and function are either unavailable or do not agree on the potential impact of this missense change (SIFT: "Deleterious"; PolyPhen-2: "Possibly Damaging"; Align-GVGD: "Class C0"). In summary, the available evidence is currently insufficient to determine the role of this variant in disease. Therefore, it has been classified as a Variant of Uncertain Significance. This variant has not been reported in the literature in individuals with SETBP1-related conditions. ClinVar contains an entry for this variant (Variation ID: 931273). This sequence change replaces lysine with glutamic acid at codon 160 of the SETBP1 protein (p.Lys160Glu). The lysine residue is highly conserved and there is a small physicochemical difference between lysine and glutamic acid. This variant is not present in population databases (ExAC no frequency).

Centre for Mendelian Genomics, University Medical Centre Ljubljana
Classification: Uncertain significance for Intellectual developmental disorder, autosomal dominant 29. Last evaluated: 2018-12-14. Review status: criteria provided, single submitter. Criteria: ACMG Guidelines, 2015. Collection method: clinical testing. Allele origin: unknown. Affected: yes.
Comment: This variant was classified as: Uncertain significance. The available evidence on this variant's pathogenicity is insufficient or conflicting. The following ACMG criteria were applied in classifying this variant: PM2.

NM_015559.3(SETBP1):c.478A>G (p.Lys160Glu)

Gene: SETBP1 (SET binding protein 1; plus strand). Cytogenetic location: 18q12.3.
Variant type: single nucleotide variant.
Coding change: c.478A>G on transcript NM_015559.3 (MANE Select); coding-DNA position 478, A replaced by G.
Protein change: p.Lys160Glu; replaces lysine 160 with glutamic acid.
Molecular consequence: missense variant.
Genome position (GRCh38, 1-based): chr18:44,701,824, A>G. VCF-style: chr18-44701824-A-G. GRCh37 (hg19) VCF-style: chr18-42281789-A-G.
Other names: c.478A>G, p.Lys160Glu (NM_001130110.2, NM_001379141.1, NM_001379142.1); short protein forms K160E.
Identifiers: ClinVar variation 931273 (VCV000931273.11), dbSNP rs2069121126, ClinGen allele CA402482267.